The following is an entry in ClinVar:

NM_016247.4(IMPG2):c.3142C>T (p.Arg1048Trp)

Gene: IMPG2 (interphotoreceptor matrix proteoglycan 2; minus strand). Cytogenetic location: 3q12.3.
Variant type: single nucleotide variant.
Coding change: c.3142C>T on transcript NM_016247.4 (MANE Select); coding-DNA position 3142, C replaced by T.
Protein change: p.Arg1048Trp; replaces arginine 1048 with tryptophan.
Molecular consequence: missense variant.
Genome position (GRCh38, 1-based): chr3:101,232,872, G>A on the plus strand (C>T on the coding strand, the complement: IMPG2 is on the minus strand). VCF-style: chr3-101232872-G-A. GRCh37 (hg19) VCF-style: chr3-100951716-G-A.
Other names: short protein forms R1048W.
Identifiers: ClinVar variation 342339 (VCV000342339.15), dbSNP rs770293441, ClinGen allele CA2518823.
Genomic context (GRCh38, chr3:101,232,872, plus strand): 5'-CACACTTTCCATCATTCAAGCAGAAGTCAGGCTGTAGGTCACAGAGACTCTGACAGGGCC[G>A]TTCTTCCACACTCAGGTATCCAGGGAAGCATCTGCACTTTGCTTCTCCACTCCAGGGGTT-3'
Protein context (NP_057331.2, residues 1038-1058): CFPGYLSVEE[Arg1048Trp]PCQSLCDLQP

ClinVar aggregate classification (germline): Conflicting classifications of pathogenicity. Review status: criteria provided, conflicting classifications (1 of 4 stars). 5 submissions from 5 submitters: Pathogenic (1); Uncertain significance (4). Last evaluated 2026-06-26.

Conditions:
IMPG2-related disorder. Also called: IMPG2-related condition.
Vitelliform macular dystrophy 2. Also called: Best Vitelliform Macular Dystrophy (BVMD); VITELLIFORM MACULAR DYSTROPHY, EARLY-ONSET; VITELLIFORM MACULAR DYSTROPHY, JUVENILE-ONSET; Best Macular Dystrophy; MACULAR DEGENERATION, POLYMORPHIC VITELLINE; Best vitelliform macular dystrophy, multifocal. Identifiers: Orphanet 1243, MedGen C2745945, MONDO:0007931, OMIM 153700.
Retinitis pigmentosa (RP). Identifiers: Orphanet 791, MedGen C0035334, MeSH D012174, MONDO:0019200, OMIM 268000. Inheritance: Autosomal dominant, autosomal recessive and X linked inheritance.

Allele frequency attached by ClinVar (database versions not stated): ExAC 0.00006; gnomAD 0.00007 and 0.00009; gnomAD exomes 0.00008 and 0.00015; TOPMed 0.00008.
gnomAD v4.1: 224 of 1,613,604 alleles (0.014%); highest among the groups gnomAD compares: South Asian, 0.031%; 1 homozygote.

Submissions (5):

PreventionGenetics, part of Exact Sciences
Classification: Uncertain significance for IMPG2-related condition. Last evaluated: 2026-06-26. Review status: criteria provided, single submitter. Criteria: ACMG Guidelines, 2015. Collection method: clinical testing. Allele origin: germline.
Comment: The IMPG2 c.3142C>T variant is predicted to result in the amino acid substitution p.Arg1048Trp. This variant was reported, along with a second variant in the same gene, in an individual with Best vitelliform macular dystrophy (Weisschuh et al. 2020. PubMed ID: 32531858). This variant is reported in 0.033% of alleles in individuals of South Asian descent in gnomAD. At this time, the clinical significance of this variant is uncertain due to the absence of conclusive functional and genetic evidence.

Labcorp Genetics (formerly Invitae), Labcorp
Classification: Uncertain significance. Last evaluated: 2024-10-23. Review status: criteria provided, single submitter. Criteria: Invitae Variant Classification Sherloc (09022015). Collection method: clinical testing. Allele origin: germline.
Comment: This sequence change replaces arginine, which is basic and polar, with tryptophan, which is neutral and slightly polar, at codon 1048 of the IMPG2 protein (p.Arg1048Trp). This variant is present in population databases (rs770293441, gnomAD 0.03%). This missense change has been observed in individual(s) with IMPG2-related conditions (PMID: 32531858). ClinVar contains an entry for this variant (Variation ID: 342339). Invitae Evidence Modeling of protein sequence and biophysical properties (such as structural, functional, and spatial information, amino acid conservation, physicochemical variation, residue mobility, and thermodynamic stability) indicates that this missense variant is not expected to disrupt IMPG2 protein function with a negative predictive value of 80%. In summary, the available evidence is currently insufficient to determine the role of this variant in disease. Therefore, it has been classified as a Variant of Uncertain Significance.

Blueprint Genetics
Classification: Uncertain significance. Last evaluated: 2024-06-27. Review status: criteria provided, single submitter. Criteria: ACMG Guidelines, 2015. Collection method: clinical testing. Allele origin: germline.

Molecular Genetics Laboratory, Institute for Ophthalmic Research
Classification: Pathogenic for Vitelliform macular dystrophy 2. Last evaluated: 2020-01-09. Review status: criteria provided, single submitter. Criteria: ACMG Guidelines, 2015. Collection method: research. Allele origin: germline. Affected: yes.

Illumina Laboratory Services, Illumina
Classification: Uncertain significance for Retinitis pigmentosa. Last evaluated: 2018-01-13. Review status: criteria provided, single submitter. Criteria: ICSL Variant Classification Criteria 13 December 2019. Collection method: clinical testing. Allele origin: germline.

Literature cited by the submitters: PubMed 32531858 (cited by Labcorp Genetics (formerly Invitae), Labcorp).